The following is an entry in ClinVar:

ClinVar aggregate classification (germline): Likely pathogenic (1 of 4 stars; one submission).

Submission:

Ambry Genetics
Classification: Likely pathogenic. Last evaluated: 2025-02-03. Review status: criteria provided, single submitter. Criteria: Ambry Variant Classification Scheme 2023. Collection method: clinical testing. Allele origin: germline.
Comment: The c.1986C>A (p.D662E) alteration is located in exon 11 (coding exon 10) of the ATP2B2 gene. This alteration results from a C to A substitution at nucleotide position 1986, causing the aspartic acid (D) at amino acid position 662 to be replaced by a glutamic acid (E). for ATP2B2-related neurodevelopmental disorder; however, its clinical significance for ATP2B2-related deafness is uncertain This variant was not reported in population-based cohorts in the Genome Aggregation Database (gnomAD). This amino acid position is highly conserved in available vertebrate species. This alteration is predicted to be deleterious by in silico analysis. Based on the available evidence, this alteration is classified as likely pathogenic.

NM_001001331.4(ATP2B2):c.2121C>A (p.Asp707Glu)

Gene: ATP2B2 (ATPase plasma membrane Ca2+ transporting 2; minus strand). Cytogenetic location: 3p25.3.
Variant type: single nucleotide variant.
Coding change: c.2121C>A on transcript NM_001001331.4 (MANE Select); coding-DNA position 2121, C replaced by A.
Protein change: p.Asp707Glu; replaces aspartic acid 707 with glutamic acid.
Molecular consequence: missense variant.
Genome position (GRCh38, 1-based): chr3:10,358,706, G>T on the plus strand (C>A on the coding strand, the complement: ATP2B2 is on the minus strand). VCF-style: chr3-10358706-G-T. GRCh37 (hg19) VCF-style: chr3-10400390-G-T.
Other names: c.1986C>A, p.Asp662Glu (NM_001330611.3, NM_001353564.1, NM_001363862.1 and 1 more transcripts); short protein forms D662E, D707E.
Identifiers: ClinVar variation 3456781 (VCV003456781.2).
Genomic context (GRCh38, chr3:10,358,706, plus strand): 5'-CCAGCCTCATCCCCTTTCCCTGAGCTCGCTGGCCCTGGGGCCTACCTCTGGCCGCACCGG[G>T]TCCTCGATGCCCACCACGCAGATGCAGGTGAGTTCGTTGAGGATGTCATTCTCATTGTCC-3'
Protein context (NP_001001331.1, residues 697-717): LTCICVVGIE[Asp707Glu]PVRPEVPEAI